The following is an entry in ClinVar:

ClinVar aggregate classification (germline): Pathogenic (1 of 4 stars; one submission).

Conditions:
Microcephaly-intellectual disability-sensorineural hearing loss-epilepsy-abnormal muscle tone syndrome (NEDHSB). Also called: NEURODEVELOPMENTAL DISORDER WITH HEARING LOSS, SEIZURES, AND BRAIN ABNORMALITIES. Identifiers: Orphanet 457351, MedGen C4225276, MONDO:0014698, OMIM 616577.

Allele frequency attached by ClinVar (database versions not stated): gnomAD 0.00001; gnomAD exomes below 0.00001.
gnomAD v4.1: 2 of 1,614,112 alleles (0.00012%); highest among the groups gnomAD compares: African/African-American, 0.0027%; no homozygotes.

Submission:

Labcorp Genetics (formerly Invitae), Labcorp
Classification: Pathogenic for Microcephaly-intellectual disability-sensorineural hearing loss-epilepsy-abnormal muscle tone syndrome. Last evaluated: 2025-03-20. Review status: criteria provided, single submitter. Criteria: Invitae Variant Classification Sherloc (09022015). Collection method: clinical testing. Allele origin: germline.
Comment: This sequence change creates a premature translational stop signal (p.Glu29*) in the SPATA5 gene. It is expected to result in an absent or disrupted protein product. Loss-of-function variants in SPATA5 are known to be pathogenic (PMID: 26299366). This variant is present in population databases (no rsID available, gnomAD 0.01%). This variant has not been reported in the literature in individuals affected with SPATA5-related conditions. ClinVar contains an entry for this variant (Variation ID: 1069922). For these reasons, this variant has been classified as Pathogenic.

Literature cited by the submitters: PubMed 26299366.

NM_145207.3(AFG2A):c.85G>T (p.Glu29Ter)

Gene: AFG2A (AAA ATPase AFG2A; plus strand). Cytogenetic location: 4q28.1.
Variant type: single nucleotide variant.
Coding change: c.85G>T on transcript NM_145207.3 (MANE Select); coding-DNA position 85, G replaced by T.
Protein change: p.Glu29Ter; replaces glutamic acid 29 with a stop codon.
Molecular consequence: nonsense.
Genome position (GRCh38, 1-based): chr4:122,923,227, G>T. VCF-style: chr4-122923227-G-T. GRCh37 (hg19) VCF-style: chr4-123844382-G-T.
Other names: c.85G>T, p.Glu29Ter (NM_001317799.2, NM_001345856.2); short protein forms E29*.
Identifiers: ClinVar variation 1069922 (VCV001069922.2), dbSNP rs1200823602, ClinGen allele CA358097185.